The following is an entry in ClinVar:

ClinVar aggregate classification (germline): Conflicting classifications of pathogenicity. Review status: criteria provided, conflicting classifications (1 of 4 stars). 7 submissions from 7 submitters: Uncertain significance (1); Benign (1); Likely benign (4). 1 of the submissions does not count toward it. Last evaluated 2025-12-17.

Conditions:
ARHGAP31-related disorder. Also called: ARHGAP31-related condition.
Inborn genetic diseases. Identifiers: MedGen C0950123, MeSH D030342.

Allele frequency attached by ClinVar (database versions not stated): ExAC 0.00041; gnomAD exomes 0.00043; ESP Exome Variant Server 0.00107; gnomAD 0.00148 and 0.00154; TOPMed 0.00156; 1000 Genomes Project 0.00220; 1000 Genomes Project 30x 0.00312.
gnomAD v4.1: 490 of 1,614,186 alleles (0.03%); highest among the groups gnomAD compares: African/African-American, 0.43%; no homozygotes.

Submissions (7):

Labcorp Genetics (formerly Invitae), Labcorp
Classification: Likely benign. Last evaluated: 2025-12-17. Review status: criteria provided, single submitter. Criteria: Invitae Variant Classification Sherloc (09022015). Collection method: clinical testing. Allele origin: germline.

Blueprint Genetics
Classification: Likely benign. Last evaluated: 2024-07-30. Review status: criteria provided, single submitter. Criteria: ACMG Guidelines, 2015. Collection method: clinical testing. Allele origin: germline.

Ambry Genetics
Classification: Likely benign for Inborn genetic diseases. Last evaluated: 2024-06-03. Review status: criteria provided, single submitter. Criteria: Ambry Variant Classification Scheme 2023. Collection method: clinical testing. Allele origin: germline.

GeneDx
Classification: Uncertain significance. Last evaluated: 2020-02-17. Review status: criteria provided, single submitter. Criteria: GeneDx Variant Classification Process June 2021. Collection method: clinical testing. Allele origin: germline. Affected: yes.
Comment: In silico analysis supports that this missense variant does not alter protein structure/function; Has not been previously published as pathogenic or benign to our knowledge

Eurofins Ntd Llc (ga)
Classification: Benign. Last evaluated: 2016-10-11. Review status: criteria provided, single submitter. Criteria: EGL Classification Definitions 2015. Collection method: clinical testing. Allele origin: germline. Observed: 1 variant allele, 1 heterozygote.

Center for Pediatric Genomic Medicine, Children's Mercy Hospital and Clinics
Classification: Likely benign. Last evaluated: 2016-04-28. Review status: criteria provided, single submitter. Criteria: ACMG Guidelines, 2015. Collection method: clinical testing. Allele origin: germline.
ClinVar note: Converted during submission from Likely Benign to Likely benign.

PreventionGenetics, part of Exact Sciences
Classification: Likely benign for ARHGAP31-related condition. Last evaluated: 2019-03-04. Review status: no assertion criteria provided. Collection method: clinical testing. Allele origin: germline. Not counted in ClinVar's aggregate classification.
Comment: This variant is classified as likely benign based on ACMG/AMP sequence variant interpretation guidelines (Richards et al. 2015 PMID: 25741868, with internal and published modifications).

NM_020754.4(ARHGAP31):c.2344C>A (p.Pro782Thr)

Gene: ARHGAP31 (Rho GTPase activating protein 31; plus strand). Cytogenetic location: 3q13.33.
Variant type: single nucleotide variant.
Coding change: c.2344C>A on transcript NM_020754.4 (MANE Select); coding-DNA position 2344, C replaced by A.
Protein change: p.Pro782Thr; replaces proline 782 with threonine.
Molecular consequence: missense variant.
Genome position (GRCh38, 1-based): chr3:119,414,273, C>A. VCF-style: chr3-119414273-C-A. GRCh37 (hg19) VCF-style: chr3-119133120-C-A.
Other names: short protein forms P782T.
Identifiers: ClinVar variation 235226 (VCV000235226.23), dbSNP rs139659618, ClinGen allele CA2554012.
Genomic context (GRCh38, chr3:119,414,273, plus strand): 5'-AAGGCATCTCCACAAGCAACAGTGGAAGTAGGAGGCCCAGGCAATCTGTCTCCTCCACTC[C>A]CACCTGCTCCTCCCCCTCCAACTCCTCTGGAGGAGTCAACTCCAGTCCTGCTTTCAAAGG-3'
Protein context (NP_065805.2, residues 772-792): GGPGNLSPPL[Pro782Thr]PAPPPPTPLE